The following is an entry in ClinVar:

ClinVar aggregate classification (germline): Benign. Review status: criteria provided, multiple submitters, no conflicts (2 of 4 stars). 3 submissions from 3 submitters: Benign (3). Last evaluated 2019-01-10.

Conditions:
Xeroderma pigmentosum group B. Also called: XPB/CS; XERODERMA PIGMENTOSUM B/COCKAYNE SYNDROME; ERCC3-Related Xeroderma Pigmentosum; XP, GROUP B. Identifiers: MedGen C0268136, MONDO:0012531, OMIM 610651.

Allele frequency attached by ClinVar (database versions not stated): 1000 Genomes Project 30x 0.01796; 1000 Genomes Project 0.01817; TOPMed 0.03376; gnomAD 0.03398 and 0.03432; gnomAD exomes 0.03878.
gnomAD v4.1: 19,636 of 522,666 alleles (3.8%); highest among the groups gnomAD compares: Middle Eastern, 5.8%; 516 homozygotes.

Submissions (3):

GeneDx
Classification: Benign. Last evaluated: 2019-01-10. Review status: criteria provided, single submitter. Criteria: GeneDx Variant Classification Process June 2021. Collection method: clinical testing. Allele origin: germline. Affected: yes.

Illumina Laboratory Services, Illumina
Classification: Benign for Xeroderma pigmentosum group B. Last evaluated: 2018-01-12. Review status: criteria provided, single submitter. Criteria: ICSL Variant Classification Criteria 13 December 2019. Collection method: clinical testing. Allele origin: germline.
Comment: This variant was observed in the ICSL laboratory as part of a predisposition screen in an ostensibly healthy population. It had not been previously curated by ICSL or reported in the Human Gene Mutation Database (HGMD: prior to June 1st, 2018), and was therefore a candidate for classification through an automated scoring system. Utilizing variant allele frequency, disease prevalence and penetrance estimates, and inheritance mode, an automated score was calculated to assess if this variant is too frequent to cause the disease. Based on the score and internal cut-off values, a variant classified as benign is not then subjected to further curation. The score for this variant resulted in a classification of benign for this disease.

Breakthrough Genomics
Classification: Benign. Review status: criteria provided, single submitter. Criteria: ACMG Guidelines, 2015. Collection method: not provided. Allele origin: germline. Inheritance: Autosomal recessive inheritance. Affected: yes.

NM_000122.2(ERCC3):c.*259G>A

Gene: ERCC3 (ERCC excision repair 3, TFIIH core complex helicase subunit; minus strand). Cytogenetic location: 2q14.3.
Variant type: single nucleotide variant.
Coding change: c.*259G>A on transcript NM_000122.2 (MANE Select); 259 bases downstream of the stop codon, G replaced by A.
Molecular consequence: 3 prime UTR variant.
Genome position (GRCh38, 1-based): chr2:127,257,337, C>T on the plus strand (G>A on the coding strand, the complement: ERCC3 is on the minus strand). VCF-style: chr2-127257337-C-T. GRCh37 (hg19) VCF-style: chr2-128014913-C-T.
Other names: c.*259G>A (NM_001303416.2, NM_001303418.2).
Identifiers: ClinVar variation 331068 (VCV000331068.7), dbSNP rs1803541, ClinGen allele CA10611124.
Genomic context (GRCh38, chr2:127,257,337, plus strand): 5'-TTGTACAATGAAGACTGGTTCAATGGTCCATTCTGTTTATTCAGAACGGTAACATAAATA[C>T]ACCTTAAATATTAACATTTTTTATATACAGAAATGACCCCACTCCCCAAAAAGTTTGAAA-3'